The following is an entry in ClinVar:

NM_001199107.2(TBC1D24):c.808C>T (p.Arg270Cys)

Gene: TBC1D24 (TBC1 domain family member 24; plus strand). Cytogenetic location: 16p13.3.
Variant type: single nucleotide variant.
Coding change: c.808C>T on transcript NM_001199107.2 (MANE Select); coding-DNA position 808, C replaced by T.
Protein change: p.Arg270Cys; replaces arginine 270 with cysteine.
Molecular consequence: missense variant.
Genome position (GRCh38, 1-based): chr16:2,496,956, C>T. VCF-style: chr16-2496956-C-T. GRCh37 (hg19) VCF-style: chr16-2546957-C-T.
Other names: c.808C>T, p.Arg270Cys (NM_020705.3); short protein forms R270C.
Identifiers: ClinVar variation 474312 (VCV000474312.15), dbSNP rs375860324, ClinGen allele CA7844073.

ClinVar aggregate classification (germline): Uncertain significance. Review status: criteria provided, multiple submitters, no conflicts (2 of 4 stars). 5 submissions from 5 submitters: Uncertain significance (5). Last evaluated 2026-09-09.

Conditions:
Autosomal dominant nonsyndromic hearing loss 65. Also called: Deafness, autosomal dominant 65; TBC1D24-Related Autosomal Dominant Nonsyndromic Hearing Loss (DFNA). Identifiers: Orphanet 90635, MedGen C3892048, MONDO:0014470, OMIM 616044.
Developmental and epileptic encephalopathy, 16 (DEE16). Also called: TBC1D24-Related Developmental and Epileptic Encephalopathy (DEE); Early infantile epileptic encephalopathy 16. Identifiers: Orphanet 293181, Orphanet 352596, MedGen C3809173, MONDO:0014133, OMIM 615338.
DOORS syndrome (DOORS). Also called: DEAFNESS, ONYCHODYSTROPHY, OSTEODYSTROPHY, IMPAIRED INTELLECTUAL DEVELOPMENT, AND SEIZURES SYNDROME; DOORS Syndrome (Deafness, Onychodystrophy, Osteodystrophy, Mental Retardation, and Seizures); Digitorenocerebral syndrome; DRC SYNDROME; BRACHYDACTYLY DUE TO ABSENCE OF DISTAL PHALANGES; ERONEN SYNDROME. Identifiers: Orphanet 3231, Orphanet 79500, MedGen C0795934, MONDO:0009079, OMIM 220500. Disease mechanism: loss of function.
Rolandic epilepsy-paroxysmal exercise-induced dystonia-writer's cramp syndrome. Also called: TBC1D24-Related Rolandic Epilepsy with Paroxysmal Exercise-Induced Dystonia and Writer's Cramp (EPRPDC); RE-PED-WC. Identifiers: Orphanet 163727, MedGen C1842531, MONDO:0011970, OMIM 608105.
Familial infantile myoclonic epilepsy (FIME). Also called: TBC1D24-Related Familial Infantile Myoclonic Epilepsy (FIME); Epilepsy, Myoclonic, Infantile. Identifiers: Orphanet 352582, MedGen C0917800, MONDO:0011506, OMIM 605021.
Autosomal recessive nonsyndromic hearing loss 86 (DFNB86). Also called: Deafness , autosomal recessive 86; TBC1D24-Related Autosomal Recessive Nonsyndromic Hearing Loss (DFNB). Identifiers: Orphanet 90636, MedGen C2829265, MONDO:0013826, OMIM 614617.
Inborn genetic diseases. Identifiers: MedGen C0950123, MeSH D030342.
Developmental and epileptic encephalopathy, 1 (DEE1). Also called: X-linked infantile spasms; West's syndrome; Tonic spasms with clustering, arrest of psychomotor development and hypsarrhythmia on EEG; X-Linked Infantile Spasm Syndrome; OHTAHARA SYNDROME, X-LINKED; INFANTILE SPASM SYNDROME, X-LINKED 1. Identifiers: MedGen C3463992, MONDO:0010632, OMIM 308350. Disease mechanism: loss of function.

Allele frequency attached by ClinVar (database versions not stated): ExAC 0.00002; gnomAD 0.00003 and 0.00004; gnomAD exomes 0.00004 and 0.00008; TOPMed 0.00004; ESP Exome Variant Server 0.00008.
gnomAD v4.1: 120 of 1,613,896 alleles (0.0074%); highest among the groups gnomAD compares: Non-Finnish European, 0.0092%; no homozygotes.

Submissions (5):

GeneDx
Classification: Uncertain significance. Last evaluated: 2026-09-09. Review status: criteria provided, single submitter. Criteria: GeneDx Variant Classification Process June 2021. Collection method: clinical testing. Allele origin: germline.
Comment: Not observed at significant frequency in large population cohorts (gnomAD); In silico analysis supports that this missense variant has a deleterious effect on protein structure/function; Has not been previously published as pathogenic or benign to our knowledge; This variant is associated with the following publications: (PMID: 24291220, 27281533)

Ambry Genetics
Classification: Uncertain significance for Inborn genetic diseases. Last evaluated: 2025-08-29. Review status: criteria provided, single submitter. Criteria: Ambry Variant Classification Scheme 2023. Collection method: clinical testing. Allele origin: germline.

Labcorp Genetics (formerly Invitae), Labcorp
Classification: Uncertain significance for Developmental and epileptic encephalopathy, 1; Autosomal dominant nonsyndromic hearing loss 65. Last evaluated: 2025-07-06. Review status: criteria provided, single submitter. Criteria: Invitae Variant Classification Sherloc (09022015). Collection method: clinical testing. Allele origin: germline.
Comment: This sequence change replaces arginine, which is basic and polar, with cysteine, which is neutral and slightly polar, at codon 270 of the TBC1D24 protein (p.Arg270Cys). This variant is present in population databases (rs375860324, gnomAD 0.007%). This variant has not been reported in the literature in individuals affected with TBC1D24-related conditions. ClinVar contains an entry for this variant (Variation ID: 474312). Invitae Evidence Modeling of protein sequence and biophysical properties (such as structural, functional, and spatial information, amino acid conservation, physicochemical variation, residue mobility, and thermodynamic stability) indicates that this missense variant is not expected to disrupt TBC1D24 protein function with a negative predictive value of 80%. In summary, the available evidence is currently insufficient to determine the role of this variant in disease. Therefore, it has been classified as a Variant of Uncertain Significance.

Blueprint Genetics
Classification: Uncertain significance. Last evaluated: 2022-10-07. Review status: criteria provided, single submitter. Criteria: ACMG Guidelines, 2015. Collection method: clinical testing. Allele origin: germline.

Fulgent Genetics
Classification: Uncertain significance for DOORS syndrome; Familial infantile myoclonic epilepsy; Rolandic epilepsy-paroxysmal exercise-induced dystonia-writer's cramp syndrome; Autosomal recessive nonsyndromic hearing loss 86; Developmental and epileptic encephalopathy, 16; Autosomal dominant nonsyndromic hearing loss 65. Last evaluated: 2021-07-06. Review status: criteria provided, single submitter. Criteria: ACMG Guidelines, 2015. Collection method: clinical testing. Allele origin: unknown.